The following is an entry in ClinVar:

NM_014754.3(PTDSS1):c.1016A>G (p.Tyr339Cys)

Gene: PTDSS1 (phosphatidylserine synthase 1; plus strand). Cytogenetic location: 8q22.1.
Variant type: single nucleotide variant.
Coding change: c.1016A>G on transcript NM_014754.3 (MANE Select); coding-DNA position 1016, A replaced by G.
Protein change: p.Tyr339Cys; replaces tyrosine 339 with cysteine.
Molecular consequence: missense variant.
Genome position (GRCh38, 1-based): chr8:96,309,565, A>G. VCF-style: chr8-96309565-A-G. GRCh37 (hg19) VCF-style: chr8-97321793-A-G.
Other names: c.578A>G, p.Tyr193Cys (NM_001290225.2); short protein forms Y193C, Y339C.
Identifiers: ClinVar variation 4862726 (VCV004862726.1).
Genomic context (GRCh38, chr8:96,309,565, plus strand): 5'-GACTTGCTGGTCTTCCAGCAGCTCTCAATGAATTCCAACTTTGTTCTTTCAGACAGTACT[A>G]CGCTTACCTCACCGACACACAGTGCAAGCGCGTAGGAACACAATGCTGGGTGTTTGGGTG-3'
Protein context (NP_055569.1, residues 329-349): GITAPTVRQY[Tyr339Cys]AYLTDTQCKR

ClinVar aggregate classification (germline): Uncertain significance (1 of 4 stars; one submission).

Conditions:
Inborn genetic diseases. Identifiers: MedGen C0950123, MeSH D030342.

gnomAD v4.1: 1 of 1,614,030 alleles (0.000062%); highest among the groups gnomAD compares: Non-Finnish European, 0.000085%; no homozygotes.

Submission:

Ambry Genetics
Classification: Uncertain significance for Inborn genetic diseases. Last evaluated: 2026-05-23. Review status: criteria provided, single submitter. Criteria: Ambry Variant Classification Scheme 2023. Collection method: clinical testing. Allele origin: germline.
Comment: The c.1016A>G (p.Y339C) alteration is located in exon 9 (coding exon 9) of the PTDSS1 gene. This alteration results from a A to G substitution at nucleotide position 1016, causing the tyrosine (Y) at amino acid position 339 to be replaced by a cysteine (C). Based on data from gnomAD, the G allele has an overall frequency of <0.001% (1/251366) total alleles studied. The highest observed frequency was 0.001% (1/113682) of European (non-Finnish) alleles. Based on insufficient or conflicting evidence, the clinical significance of this alteration remains unclear.